The following is an entry in ClinVar:

NM_000088.4(COL1A1):c.2235+1G>C

Gene: COL1A1 (collagen type I alpha 1 chain; minus strand). Cytogenetic location: 17q21.33.
Variant type: single nucleotide variant.
Coding change: c.2235+1G>C on transcript NM_000088.4 (MANE Select); the canonical splice donor site of the intron after coding-DNA position 2235, G replaced by C.
Molecular consequence: splice donor variant.
Genome position (GRCh38, 1-based): chr17:50,191,382, C>G on the plus strand (G>C on the coding strand, the complement: COL1A1 is on the minus strand). VCF-style: chr17-50191382-C-G. GRCh37 (hg19) VCF-style: chr17-48268743-C-G.
Identifiers: ClinVar variation 1069928 (VCV001069928.12), dbSNP rs1114167390, ClinGen allele CA400210708.

ClinVar aggregate classification (germline): Pathogenic. Review status: criteria provided, single submitter (1 of 4 stars). 2 submissions from 2 submitters: Pathogenic (1). 1 of the submissions does not count toward it. Last evaluated 2020-04-08.

Conditions:
Osteogenesis imperfecta type I (OI1). Also called: OI, TYPE I; OSTEOGENESIS IMPERFECTA TARDA; OSTEOGENESIS IMPERFECTA WITH BLUE SCLERAE; Lobstein disease; Osteogenesis imperfecta type 1; Lobstein's Disease. Identifiers: Orphanet 216796, Orphanet 666, MedGen C0023931, MONDO:0008146, OMIM 166200. Disease mechanism: loss of function.

Submissions (2):

Labcorp Genetics (formerly Invitae), Labcorp
Classification: Pathogenic for Osteogenesis imperfecta type I. Last evaluated: 2020-04-08. Review status: criteria provided, single submitter. Criteria: Invitae Variant Classification Sherloc (09022015). Collection method: clinical testing. Allele origin: germline.
Comment: This variant is not present in population databases (ExAC no frequency). This sequence change affects a donor splice site in intron 32 of the COL1A1 gene. It is expected to disrupt RNA splicing and likely results in an absent or disrupted protein product. For these reasons, this variant has been classified as Pathogenic. Donor and acceptor splice site variants typically lead to a loss of protein function (PMID: 16199547), and loss-of-function variants in COL1A1 are known to be pathogenic (PMID: 7942841, 9295084, 9443882). Algorithms developed to predict the effect of sequence changes on RNA splicing suggest that this variant may disrupt the consensus splice site, but this prediction has not been confirmed by published transcriptional studies. Disruption of this splice site has been observed in individual(s) with osteogenesis imperfecta (PMID: 30715774, 26177859, 27510842). In at least one individual the variant was observed to be de novo.

Medical Genetics Lab, Xi'an People's Hospital(Xi'an Fourth Hospital)
Classification: Pathogenic for Osteogenesis imperfecta type I. Last evaluated: 2021-08-25. Review status: no assertion criteria provided. Collection method: clinical testing. Allele origin: unknown, maternal. Inheritance: Autosomal dominant inheritance. Affected: yes. Observed: 2 heterozygotes. Clinical features observed: Short stature (HP:0004322), Blue sclerae (HP:0000592). Not counted in ClinVar's aggregate classification.

Literature cited by the submitters: PubMed 16199547 (cited by Labcorp Genetics (formerly Invitae), Labcorp); PubMed 7942841 (cited by Labcorp Genetics (formerly Invitae), Labcorp); PubMed 9295084 (cited by Labcorp Genetics (formerly Invitae), Labcorp); PubMed 9443882 (cited by Labcorp Genetics (formerly Invitae), Labcorp); PubMed 30715774 (cited by Labcorp Genetics (formerly Invitae), Labcorp); PubMed 26177859 (cited by Labcorp Genetics (formerly Invitae), Labcorp); PubMed 27510842 (cited by Labcorp Genetics (formerly Invitae), Labcorp).